The following is an entry in ClinVar:

ClinVar aggregate classification (germline): Uncertain significance. Review status: criteria provided, multiple submitters, no conflicts (2 of 4 stars). 2 submissions from 2 submitters: Uncertain significance (2). Last evaluated 2024-12-02.

Conditions:
Inborn genetic diseases. Identifiers: MedGen C0950123, MeSH D030342.

gnomAD v4.1: 4 of 1,562,224 alleles (0.00026%); highest among the groups gnomAD compares: East Asian, 0.0071%; no homozygotes.

Submissions (2):

Labcorp Genetics (formerly Invitae), Labcorp
Classification: Uncertain significance. Last evaluated: 2024-12-02. Review status: criteria provided, single submitter. Criteria: Invitae Variant Classification Sherloc (09022015). Collection method: clinical testing. Allele origin: germline.
Comment: This sequence change replaces alanine, which is neutral and non-polar, with aspartic acid, which is acidic and polar, at codon 51 of the ZNF335 protein (p.Ala51Asp). This variant is not present in population databases (gnomAD no frequency). This variant has not been reported in the literature in individuals affected with ZNF335-related conditions. ClinVar contains an entry for this variant (Variation ID: 2288611). An algorithm developed to predict the effect of missense changes on protein structure and function (PolyPhen-2) suggests that this variant is likely to be tolerated. In summary, the available evidence is currently insufficient to determine the role of this variant in disease. Therefore, it has been classified as a Variant of Uncertain Significance.

Ambry Genetics
Classification: Uncertain significance for Inborn genetic diseases. Last evaluated: 2022-05-11. Review status: criteria provided, single submitter. Criteria: Ambry Variant Classification Scheme 2023. Collection method: clinical testing. Allele origin: germline.

NM_022095.4(ZNF335):c.152C>A (p.Ala51Asp)

Gene: ZNF335 (zinc finger protein 335; minus strand). Cytogenetic location: 20q13.12.
Variant type: single nucleotide variant.
Coding change: c.152C>A on transcript NM_022095.4 (MANE Select); coding-DNA position 152, C replaced by A.
Protein change: p.Ala51Asp; replaces alanine 51 with aspartic acid.
Molecular consequence: missense variant.
Genome position (GRCh38, 1-based): chr20:45,971,259, G>T on the plus strand (C>A on the coding strand, the complement: ZNF335 is on the minus strand). VCF-style: chr20-45971259-G-T. GRCh37 (hg19) VCF-style: chr20-44599898-G-T.
Other names: short protein forms A51D.
Identifiers: ClinVar variation 2288611 (VCV002288611.5), dbSNP rs572517129, ClinGen allele CA409198696.